The following is an entry in ClinVar:

ClinVar aggregate classification (germline): Pathogenic. Review status: criteria provided, multiple submitters, no conflicts (2 of 4 stars). 31 submissions from 31 submitters: Pathogenic (24). 7 of the submissions do not count toward it. Last evaluated 2026-07-09.

Conditions:
cblC type of combined methylmalonic aciduria and homocystinuria.
MMACHC-related disorder. Also called: MMACHC-related condition.
Disorders of Intracellular Cobalamin Metabolism. Identifiers: MedGen CN043592.
Methylmalonic aciduria due to methylmalonyl-CoA mutase deficiency (MAMM). Also called: Methylmalonic aciduria, mut type. Identifiers: Orphanet 27, MedGen C1855114, MONDO:0009612, OMIM 251000.
Cobalamin C disease. Also called: Methylmalonic aciduria with homocystinuria cblC type; methylmalonic aciduria and homocystinuria type cblC; Cobalamin-C methylmalonic acidemia and homocystinuria; Methylmalonic acidemia and homocystinuria cblC type; Methylmalonic aciduria and homocystinuria, Vitamin B12-responsive; Vitamin B12 metabolic defect with combined deficiency of methylmalonyl-CoA mutase and homocysteine:methyltetrahydrofolate methyltransferase. Identifiers: Orphanet 26, Orphanet 79282, MedGen C1848561, MONDO:0010184, OMIM 277400.
Methylmalonic aciduria and homocystinuria type cblD (MAHCD). Also called: Methylmalonic aciduria with homocystinuria cblD type; METHYLMALONIC ACIDEMIA, cblH TYPE. Identifiers: Orphanet 622, Orphanet 79283, MedGen C1848552, MONDO:0010185, OMIM 277410.
Abnormality of metabolism/homeostasis. Identifiers: MedGen C4021768, HP:0001939.

Allele frequency attached by ClinVar (database versions not stated): TOPMed 0.00003; gnomAD exomes 0.00005; gnomAD 0.00001.
gnomAD v4.1: 86 of 1,614,064 alleles (0.0053%); highest among the groups gnomAD compares: South Asian, 0.08%; no homozygotes.

Submissions 1 to 14 of 31:

PreventionGenetics, part of Exact Sciences
Classification: Pathogenic for MMACHC-related condition. Last evaluated: 2026-07-09. Review status: criteria provided, single submitter. Criteria: ACMG Guidelines, 2015. Collection method: clinical testing. Allele origin: germline.
Comment: The MMACHC c.394C>T variant is predicted to result in premature protein termination (p.Arg132*). This variant has been reported in both the homozygous state and presumed compound heterozygous state in multiple unrelated individuals with methylmalonic aciduria and homocystinuria, cblC type (see for example: Lerner-Ellis et al. 2006. PubMed ID: 16311595; Richard et al. 2009. PubMed ID: 19760748; Krueger et al. 2014. PubMed ID: 25511120; Ricci et al. 2020. PubMed ID: 31503356; Table S1, Ding et al. 2023. PubMed ID: 37770946; Beyzaei et al. 2024. PubMed ID: 39633313). This variant is reported in 0.072% of alleles in individuals of South Asian descent in gnomAD and is classified as pathogenic by multiple clinical labs in the ClinVar database (Variation ID: 1423). Nonsense variants in MMACHC are expected to be pathogenic. This variant is interpreted as pathogenic.

Labcorp Genetics (formerly Invitae), Labcorp
Classification: Pathogenic for Cobalamin C disease. Last evaluated: 2026-01-20. Review status: criteria provided, single submitter. Criteria: Invitae Variant Classification Sherloc (09022015). Collection method: clinical testing. Allele origin: germline.
Comment: This sequence change creates a premature translational stop signal (p.Arg132*) in the MMACHC gene. While this is not anticipated to result in nonsense mediated decay, it is expected to disrupt the last 151 amino acid(s) of the MMACHC protein. This variant is present in population databases (rs121918241, gnomAD 0.07%). This premature translational stop signal has been observed in individual(s) with methylmalonic acidemia and hyperhomocysteinemia of the cobalamin C (cblC) type (PMID: 16311595, 19760748, 20631720, 24577983, 25511120, 26149271, 26563984). In at least one individual the data is consistent with being in trans (on the opposite chromosome) from a pathogenic variant. ClinVar contains an entry for this variant (Variation ID: 1423). For these reasons, this variant has been classified as Pathogenic.

Natera, Inc.
Classification: Pathogenic for Methylmalonic aciduria and homocystinuria cblC type. Last evaluated: 2026-01-10. Review status: criteria provided, single submitter. Criteria: Natera Variant Classification Schema (03/2026). Collection method: clinical testing. Allele origin: germline.
Comment: The c.394C>T variant in MMACHC is a nonsense variant predicted to introduce a stop codon at amino acid 132. This variant is expected to result in nonsense mediated decay, truncation, or a dysfunctional protein product. This variant has been observed in one or more individuals affected with the associated recessive disease, as either homozygous or compound heterozygous with a second variant (PMID: 16714133). Given the available evidence, this variant is classified as Pathogenic.

3billion
Classification: Pathogenic for Cobalamin C disease. Last evaluated: 2025-11-30. Review status: criteria provided, single submitter. Criteria: ACMG Guidelines, 2015. Collection method: clinical testing. Allele origin: germline. Affected: yes.
Comment: The variant is observed at an extremely low frequency in the gnomAD v4.1.0 dataset (total allele frequency: 0.005%). Predicted Consequence/Location: Stop-gained (nonsense): predicted to result in a loss or disruption of normal protein function through protein truncation. The predicted truncated protein may be shortened by more than 10%. The variant has been reported to be in trans with a pathogenic variant as either compound heterozygous or homozygous in at least one similarly affected unrelated individual (3billion dataset). The variant has been reported at least twice as pathogenic with clinical assertions and evidence for the classification (ClinVar ID: VCV000001423 /PMID: 16311595 /3billion dataset). Therefore, this variant is classified as Pathogenic according to the recommendation of ACMG/AMP guideline.

Revvity Omics, Revvity
Classification: Pathogenic for Cobalamin C disease. Last evaluated: 2025-03-24. Review status: criteria provided, single submitter. Criteria: ACMG Guidelines, 2015. Collection method: clinical testing. Allele origin: germline.

Servicio de Genética Del Instituto Nacional de Salud Del Niño, Ministerio de Salud
Classification: Pathogenic for Methylmalonic aciduria and homocystinuria type cblD. Last evaluated: 2024-11-18. Review status: criteria provided, single submitter. Criteria: ACMG Guidelines, 2015. Collection method: clinical testing. Allele origin: germline. Inheritance: Autosomal recessive inheritance. Affected: yes.
Comment: The variant NM_015506.3:c.394C>T (p.Arg132)* introduces a premature stop codon at codon 132, likely resulting in a truncated protein or nonsense-mediated decay (NMD). Based on ACMG/AMP guidelines, this variant meets the criteria for PM3, PS4, PS3, PVS1, PM2, and PP5, supporting its classification as pathogenic. These criteria reflect the predicted loss-of-function effect and the evidence suggesting that similar variants in the gene have been associated with pathogenicity

Victorian Clinical Genetics Services, Murdoch Childrens Research Institute
Classification: Pathogenic for Cobalamin C disease. Last evaluated: 2024-10-09. Review status: criteria provided, single submitter. Criteria: ACMG Guidelines, 2015. Collection method: clinical testing. Allele origin: germline. Inheritance: Autosomal recessive inheritance. Affected: yes.
Comment: Based on the classification scheme VCGS_Germline_v1.3.4, this variant is classified as Pathogenic. Following criteria are met: 0102 - Loss of function is a known mechanism of disease in this gene and is associated with methylmalonic aciduria and homocystinuria, cblC type (MIM#277400). (I) 0106 - This gene is associated with autosomal recessive disease. (I) 0204 - Variant is predicted to result in a truncated protein (premature termination codon is NOT located at least 54 nucleotides upstream of the final exon-exon junction) with at least 1/3 of the protein sequence affected. (SP) 0252 - This variant is homozygous. (I) 0304 - Variant is present in gnomAD (v2) <0.01 for a recessive condition (24 heterozygotes, 0 homozygotes). (SP) 0701 - Many other protein truncating variants comparable to the one identified in this case have very strong previous evidence for pathogenicity (DECIPHER). (SP) 0801 - This variant has strong previous evidence of pathogenicity in unrelated individuals. This variant has been classified as pathogenic by multiple clinical laboratories in ClinVar. (SP) 1101 - Very strong and specific phenotype match for this individual. (I) Legend: (SP) - Supporting pathogenic, (I) - Information, (SB) - Supporting benign

Blueprint Genetics
Classification: Pathogenic for MMACHC-related disorders. Last evaluated: 2024-09-26. Review status: criteria provided, single submitter. Criteria: ACMG Guidelines, 2015. Collection method: clinical testing. Allele origin: germline. Affected: yes. Observed: 5 variant alleles.

Fulgent Genetics
Classification: Pathogenic for Cobalamin C disease. Last evaluated: 2024-04-03. Review status: criteria provided, single submitter. Criteria: ACMG Guidelines, 2015. Collection method: clinical testing. Allele origin: germline.

Genomic Medicine Center of Excellence, King Faisal Specialist Hospital and Research Centre
Classification: Pathogenic for Cobalamin C disease. Last evaluated: 2024-03-17. Review status: criteria provided, single submitter. Criteria: ACMG Guidelines, 2015. Collection method: research. Allele origin: germline.

Kasturba Medical College, Manipal, Kasturba Medical College, Manipal, Manipal Academy of Higher Education, Manipal, India
Classification: Pathogenic for Cobalamin C disease. Last evaluated: 2023-07-25. Review status: criteria provided, single submitter. Criteria: ACMG Guidelines, 2015. Collection method: clinical testing. Allele origin: germline. Inheritance: Autosomal recessive inheritance. Affected: yes.

Genome-Nilou Lab
Classification: Pathogenic for Cobalamin C disease. Last evaluated: 2023-04-11. Review status: criteria provided, single submitter. Criteria: ACMG Guidelines, 2015. Collection method: clinical testing. Allele origin: germline. Affected: no.

Mayo Clinic Laboratories, Mayo Clinic
Classification: Pathogenic. Last evaluated: 2022-12-08. Review status: criteria provided, single submitter. Criteria: ACMG Guidelines, 2015. Collection method: clinical testing. Allele origin: germline. Observed: 1 variant allele.
Comment: PM2, PM3, PS4, PVS1

Kariminejad - Najmabadi Pathology & Genetics Center
Classification: Pathogenic for Abnormality of metabolism/homeostasis. Last evaluated: 2021-07-10. Review status: criteria provided, single submitter. Criteria: ACMG Guidelines, 2015. Collection method: clinical testing. Allele origin: germline.

NM_015506.3(MMACHC):c.394C>T (p.Arg132Ter)

Gene: MMACHC (metabolism of cobalamin associated C; plus strand). Cytogenetic location: 1p34.1.
Variant type: single nucleotide variant.
Coding change: c.394C>T on transcript NM_015506.3 (MANE Select); coding-DNA position 394, C replaced by T.
Protein change: p.Arg132Ter; replaces arginine 132 with a stop codon.
Molecular consequence: nonsense.
Genome position (GRCh38, 1-based): chr1:45,508,329, C>T. VCF-style: chr1-45508329-C-T. GRCh37 (hg19) VCF-style: chr1-45974001-C-T.
Other names: p.R132*:CGA>TGA; c.223C>T, p.Arg75Ter (NM_001330540.2); short protein forms R132*, R75*.
Identifiers: ClinVar variation 1423 (VCV000001423.73), dbSNP rs121918241, ClinGen allele CA251787.